The following is an entry in ClinVar:

NM_004836.7(EIF2AK3):c.2075C>T (p.Ala692Val)

Genes: EIF2AK3 (eukaryotic translation initiation factor 2 alpha kinase 3; minus strand), EIF2AK3-AS1 (EIF2AK3 antisense RNA 1; plus strand). Cytogenetic location: 2p11.2.
Variant type: single nucleotide variant.
Coding change: c.2075C>T on transcript NM_004836.7 (MANE Select); coding-DNA position 2075, C replaced by T.
Protein change: p.Ala692Val; replaces alanine 692 with valine.
Molecular consequence: missense variant. On other transcripts: non-coding transcript variant (1).
Genome position (GRCh38, 1-based): chr2:88,575,408, G>A on the plus strand (C>T on the coding strand, the complement: EIF2AK3 is on the minus strand). VCF-style: chr2-88575408-G-A. GRCh37 (hg19) VCF-style: chr2-88874926-G-A.
Other names: c.1622C>T, p.Ala541Val (NM_001313915.2); short protein forms A541V, A692V.
Identifiers: ClinVar variation 2056468 (VCV002056468.4), dbSNP rs62157769, ClinGen allele CA51486682.

ClinVar aggregate classification (germline): Uncertain significance (1 of 4 stars; one submission).

Submission:

Labcorp Genetics (formerly Invitae), Labcorp
Classification: Uncertain significance. Last evaluated: 2021-12-24. Review status: criteria provided, single submitter. Criteria: Invitae Variant Classification Sherloc (09022015). Collection method: clinical testing. Allele origin: germline.
Comment: This sequence change replaces alanine, which is neutral and non-polar, with valine, which is neutral and non-polar, at codon 692 of the EIF2AK3 protein (p.Ala692Val). This variant is not present in population databases (gnomAD no frequency). This variant has not been reported in the literature in individuals affected with EIF2AK3-related conditions. Algorithms developed to predict the effect of missense changes on protein structure and function output the following: SIFT: "Tolerated"; PolyPhen-2: "Benign"; Align-GVGD: "Class C0". The valine amino acid residue is found in multiple mammalian species, which suggests that this missense change does not adversely affect protein function. In summary, the available evidence is currently insufficient to determine the role of this variant in disease. Therefore, it has been classified as a Variant of Uncertain Significance.